The following is an entry in ClinVar:

ClinVar aggregate classification (germline): Uncertain significance. Review status: criteria provided, multiple submitters, no conflicts (2 of 4 stars). 4 submissions from 4 submitters: Uncertain significance (3). 1 of the submissions does not count toward it. Last evaluated 2023-02-16.

Conditions:
Dilated cardiomyopathy 1GG (CMD1GG). Identifiers: Orphanet 154, MedGen C3150898, MONDO:0013339, OMIM 613642.
Mitochondrial complex II deficiency, nuclear type 1. Also called: SUCCINATE CoQ REDUCTASE DEFICIENCY. Identifiers: Orphanet 3208, MedGen C5700310, MONDO:0100294, OMIM 252011.
Neurodegeneration with ataxia and late-onset optic atrophy. Identifiers: MedGen C5543254, MONDO:0031006, OMIM 619259.
Pheochromocytoma/paraganglioma syndrome 5. Also called: Paragangliomas 5; SDHA-Related Hereditary Paraganglioma-Pheochromocytoma Syndrome. Identifiers: Orphanet 29072, MedGen C3279992, MONDO:0013602, OMIM 614165.
Hereditary cancer-predisposing syndrome. Also called: Hereditary Cancer Syndrome; Hereditary neoplastic syndrome; Neoplastic Syndromes, Hereditary; Tumor predisposition. Identifiers: Orphanet 140162, MedGen C0027672, MeSH D009386, MONDO:0015356.
Pulmonary artery atresia. Also called: Pulmonary atresia. Identifiers: MedGen C0265908, HP:0004935.

Allele frequency attached by ClinVar (database versions not stated): gnomAD exomes below 0.00001; ExAC 0.00010.

Submissions (4):

Department of Pathology and Laboratory Medicine, Sinai Health System
Classification: Uncertain significance for Mitochondrial complex II deficiency, nuclear type 1; Dilated cardiomyopathy 1GG; Pheochromocytoma/paraganglioma syndrome 5; Neurodegeneration with ataxia and late-onset optic atrophy. Last evaluated: 2023-02-16. Review status: criteria provided, single submitter. Criteria: ACMG Guidelines, 2015. Collection method: clinical testing. Allele origin: germline. Affected: yes.

Sema4
Classification: Uncertain significance for Hereditary cancer-predisposing syndrome. Last evaluated: 2022-03-01. Review status: criteria provided, single submitter. Criteria: Sema4 Curation Guidelines. Collection method: curation. Allele origin: germline.
Comment: To the best of our knowledge, the SDHA c.1337T>C (p.V446A) variant has not been reported in individuals with SDHA-related disease. It has not been reported in the large and broad cohorts of the Genome Aggregation Database (PMID: 32461654). The variant has not been reported in ClinVar. In silico tools suggest the impact of the variant on protein function is deleterious though these predictions have not been confirmed by functional studies. The evidence is insufficient to meet ACMG/AMP criteria for classifying the variant as benign or pathogenic. Thus, the clinical significance of this variant is currently uncertain.

Ambry Genetics
Classification: Uncertain significance for Hereditary cancer-predisposing syndrome. Last evaluated: 2021-01-14. Review status: criteria provided, single submitter. Criteria: Ambry Variant Classification Scheme 2023. Collection method: clinical testing. Allele origin: germline.
Comment: The p.V446A variant (also known as c.1337T>C), located in coding exon 10 of the SDHA gene, results from a T to C substitution at nucleotide position 1337. The valine at codon 446 is replaced by alanine, an amino acid with similar properties. This amino acid position is highly conserved in available vertebrate species. In addition, this alteration is predicted to be deleterious by in silico analysis. Since supporting evidence is limited at this time, the clinical significance of this alteration remains unclear.

Henan Key Laboratory of Chronic Disease Management, Central China Fuwai Hospital of Zhengzhou University, Fuwai Central China Cardiovascular Hospital & Central China Branch of National Center for Cardiovascular Diseases
Classification: Pathogenic for Pulmonary artery atresia. Review status: no assertion criteria provided. Collection method: clinical testing. Allele origin: de novo. Affected: yes. Not counted in ClinVar's aggregate classification.

NM_004168.4(SDHA):c.1337T>C (p.Val446Ala)

Gene: SDHA (succinate dehydrogenase complex flavoprotein subunit A; plus strand). Cytogenetic location: 5p15.33.
Variant type: single nucleotide variant.
Coding change: c.1337T>C on transcript NM_004168.4 (MANE Select); coding-DNA position 1337, T replaced by C.
Protein change: p.Val446Ala; replaces valine 446 with alanine.
Molecular consequence: missense variant.
Genome position (GRCh38, 1-based): chr5:236,504, T>C. VCF-style: chr5-236504-T-C. GRCh37 (hg19) VCF-style: chr5-236619-T-C.
Other names: c.1193T>C, p.Val398Ala (NM_001294332.2); c.1337T>C, p.Val446Ala (NM_001330758.2); c.1337T>C (NM_004168.2); short protein forms V398A, V446A.
Identifiers: ClinVar variation 1692757 (VCV001692757.30), dbSNP rs201741295, ClinGen allele CA3173197.
Genomic context (GRCh38, chr5:236,504, plus strand): 5'-ATGGCCAGGATCAGATTGTGCCCGGCCTGTACGCCTGTGGGGAGGCCGCCTGTGCCTCGG[T>C]ACATGGTGCCAACCGCCTCGGGGCAAACTCGCTCTTGGACCTGGTTGTCTTTGGTCGGGC-3'
Protein context (NP_004159.2, residues 436-456): YACGEAACAS[Val446Ala]HGANRLGANS